The following is an entry in ClinVar:

ClinVar aggregate classification (germline): Uncertain significance (1 of 4 stars; one submission).

Conditions:
Cardiovascular phenotype. Identifiers: MedGen CN230736.

Submission:

Ambry Genetics
Classification: Uncertain significance for Cardiovascular phenotype. Last evaluated: 2025-05-19. Review status: criteria provided, single submitter. Criteria: Ambry Variant Classification Scheme 2023. Collection method: clinical testing. Allele origin: germline.
Comment: The p.V194L variant (also known as c.580G>T), located in coding exon 5 of the PTPN11 gene, results from a G to T substitution at nucleotide position 580. The valine at codon 194 is replaced by leucine, an amino acid with highly similar properties. This amino acid position is conserved. In addition, the in silico prediction for this alteration is inconclusive. Based on the available evidence, the clinical significance of this variant remains unclear.

NM_002834.5(PTPN11):c.580G>T (p.Val194Leu)

Gene: PTPN11 (protein tyrosine phosphatase non-receptor type 11; plus strand). Cytogenetic location: 12q24.13.
Variant type: single nucleotide variant.
Coding change: c.580G>T on transcript NM_002834.5 (MANE Select); coding-DNA position 580, G replaced by T.
Protein change: p.Val194Leu; replaces valine 194 with leucine.
Molecular consequence: missense variant.
Genome position (GRCh38, 1-based): chr12:112,454,618, G>T. VCF-style: chr12-112454618-G-T. GRCh37 (hg19) VCF-style: chr12-112892422-G-T.
Other names: c.580G>T, p.Val194Leu (NM_001330437.2, NM_080601.3); c.577G>T, p.Val193Leu (NM_001374625.1); short protein forms V193L, V194L.
Identifiers: ClinVar variation 3940421 (VCV003940421.1).